The following is an entry in ClinVar:

NM_001369.3(DNAH5):c.9230G>A (p.Arg3077Gln)

Gene: DNAH5 (dynein axonemal heavy chain 5; minus strand). Cytogenetic location: 5p15.2.
Variant type: single nucleotide variant.
Coding change: c.9230G>A on transcript NM_001369.3 (MANE Select); coding-DNA position 9230, G replaced by A.
Protein change: p.Arg3077Gln; replaces arginine 3077 with glutamine.
Molecular consequence: missense variant.
Genome position (GRCh38, 1-based): chr5:13,776,582, C>T on the plus strand (G>A on the coding strand, the complement: DNAH5 is on the minus strand). VCF-style: chr5-13776582-C-T. GRCh37 (hg19) VCF-style: chr5-13776691-C-T.
Other names: short protein forms R3077Q.
Identifiers: ClinVar variation 454816 (VCV000454816.13), dbSNP rs113742238, ClinGen allele CA3202591.

ClinVar aggregate classification (germline): Conflicting classifications of pathogenicity. Review status: criteria provided, conflicting classifications (1 of 4 stars). 5 submissions from 5 submitters: Uncertain significance (3); Benign (1). 1 of the submissions does not count toward it. Last evaluated 2026-01-21.

Conditions:
Primary ciliary dyskinesia. Also called: Ciliary dyskinesia. Identifiers: Orphanet 244, MedGen C0008780, MONDO:0016575, HP:0012265.

Allele frequency attached by ClinVar (database versions not stated): ESP Exome Variant Server 0.00031; 1000 Genomes Project 30x 0.00047; 1000 Genomes Project 0.00060; TOPMed 0.00065.
gnomAD v4.1: 209 of 1,613,870 alleles (0.013%); highest among the groups gnomAD compares: African/African-American, 0.21%; no homozygotes.

Submissions (5):

Labcorp Genetics (formerly Invitae), Labcorp
Classification: Benign for Primary ciliary dyskinesia. Last evaluated: 2026-01-21. Review status: criteria provided, single submitter. Criteria: Invitae Variant Classification Sherloc (09022015). Collection method: clinical testing. Allele origin: germline.

Ambry Genetics
Classification: Uncertain significance for Primary ciliary dyskinesia. Last evaluated: 2025-03-24. Review status: criteria provided, single submitter. Criteria: Ambry Variant Classification Scheme 2023. Collection method: clinical testing. Allele origin: germline.
Comment: The p.R3077Q variant (also known as c.9230G>A), located in coding exon 55 of the DNAH5 gene, results from a G to A substitution at nucleotide position 9230. The arginine at codon 3077 is replaced by glutamine, an amino acid with highly similar properties. This amino acid position is highly conserved in available vertebrate species. In addition, the in silico prediction for this alteration is inconclusive. Based on the available evidence, the clinical significance of this variant remains unclear.

Blueprint Genetics
Classification: Uncertain significance. Last evaluated: 2024-04-11. Review status: criteria provided, single submitter. Criteria: ACMG Guidelines, 2015. Collection method: clinical testing. Allele origin: germline.

Breakthrough Genomics
Classification: Uncertain significance. Review status: criteria provided, single submitter. Criteria: ACMG Guidelines, 2015. Collection method: not provided. Allele origin: germline. Inheritance: Autosomal recessive inheritance. Affected: yes.

Natera, Inc.
Classification: Uncertain significance for Primary ciliary dyskinesia. Last evaluated: 2019-10-28. Review status: no assertion criteria provided. Collection method: clinical testing. Allele origin: germline. Not counted in ClinVar's aggregate classification.